The following is an entry in ClinVar:

NM_001077415.3(CRELD1):c.945G>A (p.Pro315=)

Gene: CRELD1 (CRELD disulfide isomerase 1; plus strand). Cytogenetic location: 3p25.3.
Variant type: single nucleotide variant.
Coding change: c.945G>A on transcript NM_001077415.3 (MANE Select); coding-DNA position 945, G replaced by A.
Protein change: p.Pro315=; no amino-acid change (proline 315 retained).
Molecular consequence: synonymous variant. On other transcripts: non-coding transcript variant (3).
Genome position (GRCh38, 1-based): chr3:9,943,412, G>A. VCF-style: chr3-9943412-G-A. GRCh37 (hg19) VCF-style: chr3-9985096-G-A.
Other names: p.P315P:CCG>CCA; c.945G>A, p.Pro315= (NM_001031717.4, NM_001374316.1, NM_001374317.1 and 2 more transcripts); c.861G>A, p.Pro287= (NM_001374319.1, NM_001374320.1).
Identifiers: ClinVar variation 137029 (VCV000137029.11), dbSNP rs76764016, ClinGen allele CA290513.

ClinVar aggregate classification (germline): Benign. Review status: criteria provided, multiple submitters, no conflicts (2 of 4 stars). 3 submissions from 3 submitters: Benign (3). Last evaluated 2026-02-02.

Conditions:
Atrioventricular septal defect, susceptibility to, 2. Identifiers: MedGen C1853508, MONDO:0011650, OMIM 606217.

Allele frequency attached by ClinVar (database versions not stated): 1000 Genomes Project 30x 0.00312; 1000 Genomes Project 0.00359; TOPMed 0.01040; gnomAD 0.01061 and 0.01116; gnomAD exomes 0.01088; ExAC 0.01190; ESP Exome Variant Server 0.01276.
gnomAD v4.1: 22,566 of 1,613,998 alleles (1.4%); highest among the groups gnomAD compares: Non-Finnish European, 1.7%; 193 homozygotes.

Submissions (3):

Labcorp Genetics (formerly Invitae), Labcorp
Classification: Benign for Atrioventricular septal defect, susceptibility to, 2. Last evaluated: 2026-02-02. Review status: criteria provided, single submitter. Criteria: Invitae Variant Classification Sherloc (09022015). Collection method: clinical testing. Allele origin: germline.

GeneDx
Classification: Benign. Last evaluated: 2014-04-22. Review status: criteria provided, single submitter. Criteria: GeneDx Variant Classification (06012015). Collection method: clinical testing. Allele origin: germline. Affected: yes.
Comment: This variant is considered likely benign or benign based on one or more of the following criteria: it is a conservative change, it occurs at a poorly conserved position in the protein, it is predicted to be benign by multiple in silico algorithms, and/or has population frequency not consistent with disease.

Breakthrough Genomics
Classification: Benign. Review status: criteria provided, single submitter. Criteria: ACMG Guidelines, 2015. Collection method: not provided. Allele origin: germline. Inheritance: Autosomal dominant inheritance. Affected: yes.